The following is an entry in ClinVar:

ClinVar aggregate classification (germline): Uncertain significance. Review status: criteria provided, multiple submitters, no conflicts (2 of 4 stars). 2 submissions from 2 submitters: Uncertain significance (2). Last evaluated 2025-11-21.

Conditions:
Pancreatic adenocarcinoma. Identifiers: MedGen C0281361, MONDO:0006047, HP:0006725.

Submissions (2):

Labcorp Genetics (formerly Invitae), Labcorp
Classification: Uncertain significance for Pancreatic adenocarcinoma. Last evaluated: 2025-11-21. Review status: criteria provided, single submitter. Criteria: Invitae Variant Classification Sherloc (09022015). Collection method: clinical testing. Allele origin: germline.
Comment: This sequence change replaces histidine, which is basic and polar, with arginine, which is basic and polar, at codon 125 of the PALLD protein (p.His125Arg). This variant is not present in population databases (gnomAD no frequency). This variant has not been reported in the literature in individuals affected with PALLD-related conditions. ClinVar contains an entry for this variant (Variation ID: 4130417). An algorithm developed to predict the effect of missense changes on protein structure and function (PolyPhen-2) suggests that this variant is likely to be tolerated. In summary, the available evidence is currently insufficient to determine the role of this variant in disease. Therefore, it has been classified as a Variant of Uncertain Significance.

Ambry Genetics
Classification: Uncertain significance. Last evaluated: 2025-07-25. Review status: criteria provided, single submitter. Criteria: Ambry Variant Classification Scheme 2023. Collection method: clinical testing. Allele origin: germline.
Comment: The p.H125R variant (also known as c.374A>G), located in coding exon 1 of the PALLD gene, results from an A to G substitution at nucleotide position 374. The histidine at codon 125 is replaced by arginine, an amino acid with highly similar properties. This amino acid position is conserved. In addition, this alteration is predicted to be tolerated by in silico analysis. Based on the available evidence, the clinical significance of this variant remains unclear.

NM_001166108.2(PALLD):c.1965-12657A>G

Gene: PALLD (palladin, cytoskeletal associated protein; plus strand). Cytogenetic location: 4q32.3.
Variant type: single nucleotide variant.
Coding change: c.1965-12657A>G on transcript NM_001166108.2 (MANE Select); 12657 bases into the intron before coding-DNA position 1965, A replaced by G.
Molecular consequence: intron variant. On other transcripts: missense variant (1).
Genome position (GRCh38, 1-based): chr4:168,878,265, A>G. VCF-style: chr4-168878265-A-G. GRCh37 (hg19) VCF-style: chr4-169799416-A-G.
Other names: c.374A>G, p.His125Arg (NM_001166110.2); c.1965-12657A>G (NM_016081.4); c.819-12657A>G (NM_001166109.2); c.-157-12657A>G (NM_001367570.1, NM_001367568.1, NM_001367567.1 and 1 more transcripts); short protein forms H125R.
Identifiers: ClinVar variation 4130417 (VCV004130417.2).